The following is an entry in ClinVar:

ClinVar aggregate classification (germline): Uncertain significance (1 of 4 stars; one submission).

Conditions:
Spastic paraplegia. Identifiers: MedGen C0037772, HP:0001258.

Submission:

Labcorp Genetics (formerly Invitae), Labcorp
Classification: Uncertain significance for Spastic paraplegia. Last evaluated: 2024-03-02. Review status: criteria provided, single submitter. Criteria: Invitae Variant Classification Sherloc (09022015). Collection method: clinical testing. Allele origin: germline.
Comment: This sequence change replaces serine, which is neutral and polar, with isoleucine, which is neutral and non-polar, at codon 7 of the GJC2 protein (p.Ser7Ile). This variant is present in population databases (no rsID available, gnomAD 0.002%). This variant has not been reported in the literature in individuals affected with GJC2-related conditions. An algorithm developed to predict the effect of missense changes on protein structure and function (PolyPhen-2) suggests that this variant is likely to be disruptive. In summary, the available evidence is currently insufficient to determine the role of this variant in disease. Therefore, it has been classified as a Variant of Uncertain Significance.

NM_020435.4(GJC2):c.20_21delinsTT (p.Ser7Ile)

Gene: GJC2 (gap junction protein gamma 2; plus strand). Cytogenetic location: 1q42.13.
Variant type: Indel.
Coding change: c.20_21delinsTT on transcript NM_020435.4 (MANE Select); coding-DNA positions 20 to 21, GC replaced by TT.
Protein change: p.Ser7Ile; replaces serine 7 with isoleucine.
Molecular consequence: missense variant.
Genome position (GRCh38, 1-based): chr1:228,157,778-228,157,779, GC replaced by TT. VCF-style: chr1-228157778-GC-TT. GRCh37 (hg19) VCF-style: chr1-228345479-GC-TT.
Other names: short protein forms S7I.
Identifiers: ClinVar variation 3625487 (VCV003625487.2).